The following is an entry in ClinVar:

NM_000038.6(APC):c.6490G>A (p.Gly2164Ser)

Gene: APC (APC regulator of Wnt signaling pathway; plus strand). Cytogenetic location: 5q22.2.
Variant type: single nucleotide variant.
Coding change: c.6490G>A on transcript NM_000038.6 (MANE Select); coding-DNA position 6490, G replaced by A.
Protein change: p.Gly2164Ser; replaces glycine 2164 with serine.
Molecular consequence: missense variant. On other transcripts: non-coding transcript variant (2).
Genome position (GRCh38, 1-based): chr5:112,842,084, G>A. VCF-style: chr5-112842084-G-A. GRCh37 (hg19) VCF-style: chr5-112177781-G-A.
Other names: c.6241G>A, p.Gly2081Ser (NM_001407456.1, NM_001407457.1, NM_001407454.1 and 1 more transcripts); c.5641G>A, p.Gly1881Ser (NM_001407470.1, NM_001354906.2); c.5338G>A, p.Gly1780Ser (NM_001407471.1, NM_001407472.1); c.6187G>A, p.Gly2063Ser (NM_001407458.1, NM_001407459.1, NM_001407460.1 and 1 more transcripts); c.6103G>A, p.Gly2035Ser (NM_001407467.1, NM_001407469.1); c.6490G>A, p.Gly2164Ser (NM_001127510.3, NM_001354895.2, NM_001407450.1); c.6436G>A, p.Gly2146Ser (NM_001127511.3); c.6544G>A, p.Gly2182Ser (NM_001354896.2, NM_001407447.1, NM_001407448.1 and 1 more transcripts); and 11 more; short protein forms G1780S, G1881S, G2004S, G2035S, G2038S, G2063S, G2073S, G2081S.
Identifiers: ClinVar variation 3894267 (VCV003894267.1).

ClinVar aggregate classification (germline): Uncertain significance (1 of 4 stars; one submission).

Conditions:
Hereditary cancer-predisposing syndrome. Also called: Neoplastic Syndromes, Hereditary; Tumor predisposition; Hereditary Cancer Syndrome; Hereditary neoplastic syndrome. Identifiers: Orphanet 140162, MedGen C0027672, MeSH D009386, MONDO:0015356.

Submission:

Color Diagnostics, LLC DBA Color Health
Classification: Uncertain significance for Hereditary cancer-predisposing syndrome. Last evaluated: 2025-03-24. Review status: criteria provided, single submitter. Criteria: ACMG Guidelines, 2015. Collection method: clinical testing. Allele origin: germline.
Comment: This missense variant replaces glycine with serine at codon 2164 of the APC protein. Computational prediction suggests that this variant may not impact protein structure and function. To our knowledge, functional studies have not been reported for this variant. This variant has not been reported in individuals affected with APC-related disorders in the literature. This variant has not been identified in the general population by the Genome Aggregation Database (gnomAD). The available evidence is insufficient to determine the role of this variant in disease conclusively. Therefore, this variant is classified as a Variant of Uncertain Significance.